The following is an entry in ClinVar:

NM_016653.3(MAP3K20):c.1068C>G (p.Asp356Glu)

Genes: MAP3K20 (mitogen-activated protein kinase kinase kinase 20; plus strand), MAP3K20-AS1 (MAP3K20 antisense RNA 1; minus strand). Cytogenetic location: 2q31.1.
Variant type: single nucleotide variant.
Coding change: c.1068C>G on transcript NM_016653.3 (MANE Select); coding-DNA position 1068, C replaced by G.
Protein change: p.Asp356Glu; replaces aspartic acid 356 with glutamic acid.
Molecular consequence: missense variant.
Genome position (GRCh38, 1-based): chr2:173,232,324, C>G. VCF-style: chr2-173232324-C-G. GRCh37 (hg19) VCF-style: chr2-174097052-C-G.
Other names: short protein forms D356E.
Identifiers: ClinVar variation 1931246 (VCV001931246.5), dbSNP rs1487391776, ClinGen allele CA349315456.

ClinVar aggregate classification (germline): Uncertain significance (1 of 4 stars; one submission).

Allele frequency attached by ClinVar (database versions not stated): gnomAD 0.00001; TOPMed 0.00001.
gnomAD v4.1: 1 of 1,614,064 alleles (0.000062%); highest among the groups gnomAD compares: Admixed American, 0.0017%; no homozygotes.

Submission:

Labcorp Genetics (formerly Invitae), Labcorp
Classification: Uncertain significance. Last evaluated: 2021-12-10. Review status: criteria provided, single submitter. Criteria: Invitae Variant Classification Sherloc (09022015). Collection method: clinical testing. Allele origin: germline.
Comment: This variant has not been reported in the literature in individuals affected with MAP3K20-related conditions. This sequence change replaces aspartic acid, which is acidic and polar, with glutamic acid, which is acidic and polar, at codon 356 of the MAP3K20 protein (p.Asp356Glu). This variant is not present in population databases (gnomAD no frequency). Experimental studies and prediction algorithms are not available or were not evaluated, and the functional significance of this variant is currently unknown. In summary, the available evidence is currently insufficient to determine the role of this variant in disease. Therefore, it has been classified as a Variant of Uncertain Significance.